The following is an entry in ClinVar:

NM_006885.4(ZFHX3):c.219G>C (p.Glu73Asp)

Gene: ZFHX3 (zinc finger homeobox 3; minus strand). Cytogenetic location: 16q22.3.
Variant type: single nucleotide variant.
Coding change: c.219G>C on transcript NM_006885.4 (MANE Select); coding-DNA position 219, G replaced by C.
Protein change: p.Glu73Asp; replaces glutamic acid 73 with aspartic acid.
Molecular consequence: missense variant. On other transcripts: intron variant (1).
Genome position (GRCh38, 1-based): chr16:72,959,927, C>G on the plus strand (G>C on the coding strand, the complement: ZFHX3 is on the minus strand). VCF-style: chr16-72959927-C-G. GRCh37 (hg19) VCF-style: chr16-72993826-C-G.
Other names: c.219G>C, p.Glu73Asp (NM_001386735.1); c.-23-8962G>C (NM_001164766.2); short protein forms E73D.
Identifiers: ClinVar variation 3391696 (VCV003391696.1).

ClinVar aggregate classification (germline): Uncertain significance (1 of 4 stars; one submission).

Submission:

GeneDx
Classification: Uncertain significance. Last evaluated: 2024-06-20. Review status: criteria provided, single submitter. Criteria: GeneDx Variant Classification Process June 2021. Collection method: clinical testing. Allele origin: germline. Affected: yes.
Comment: In silico analysis indicates that this missense variant does not alter protein structure/function; Has not been previously published as pathogenic or benign to our knowledge